The following is an entry in ClinVar:

ClinVar aggregate classification (germline): Pathogenic (1 of 4 stars; one submission).

Submission:

Labcorp Genetics (formerly Invitae), Labcorp
Classification: Pathogenic. Last evaluated: 2023-03-23. Review status: criteria provided, single submitter. Criteria: Invitae Variant Classification Sherloc (09022015). Collection method: clinical testing. Allele origin: unknown.
Comment: For these reasons, this variant has been classified as Pathogenic. This variant has not been reported in the literature in individuals affected with POLE-related conditions. This variant is a gross deletion of the genomic region encompassing exon(s) 1-8 of the POLE gene, which includes the initiator codon. This deletion extends beyond the assayed region for this gene and therefore may encompass additional genes. It is expected to result in an absent or disrupted protein product. Loss-of-function variants in POLE are known to be pathogenic (PMID: 23230001, 25948378, 30503519).

Literature cited by the submitters: PubMed 23230001; PubMed 25948378; PubMed 30503519.

NC_000012.11:g.(?_133253939)_(133263901_?)del

Gene: POLE (DNA polymerase epsilon, catalytic subunit; minus strand). Cytogenetic location: 12q24.33.
Variant type: Deletion.
Identifiers: ClinVar variation 3244400 (VCV003244400.1).